The following is an entry in ClinVar:

NM_000285.4(PEPD):c.1380C>A (p.Ser460Arg)

Gene: PEPD (peptidase D; minus strand). Cytogenetic location: 19q13.11.
Variant type: single nucleotide variant.
Coding change: c.1380C>A on transcript NM_000285.4 (MANE Select); coding-DNA position 1380, C replaced by A.
Protein change: p.Ser460Arg; replaces serine 460 with arginine.
Molecular consequence: missense variant.
Genome position (GRCh38, 1-based): chr19:33,387,446, G>T on the plus strand (C>A on the coding strand, the complement: PEPD is on the minus strand). VCF-style: chr19-33387446-G-T. GRCh37 (hg19) VCF-style: chr19-33878352-G-T.
Other names: c.1380C>A (NM_000285.3); c.1257C>A, p.Ser419Arg (NM_001166056.2); c.1188C>A, p.Ser396Arg (NM_001166057.2); short protein forms S460R, S419R, S396R.
Identifiers: ClinVar variation 1918310 (VCV001918310.3), dbSNP rs781482255, ClinGen allele CA405219700.

ClinVar aggregate classification (germline): Uncertain significance. Review status: criteria provided, multiple submitters, no conflicts (2 of 4 stars). 2 submissions from 2 submitters: Uncertain significance (2). Last evaluated 2025-07-03.

Conditions:
Inborn genetic diseases. Identifiers: MedGen C0950123, MeSH D030342.

Submissions (2):

Ambry Genetics
Classification: Uncertain significance for Inborn genetic diseases. Last evaluated: 2025-07-03. Review status: criteria provided, single submitter. Criteria: Ambry Variant Classification Scheme 2023. Collection method: clinical testing. Allele origin: germline.

Labcorp Genetics (formerly Invitae), Labcorp
Classification: Uncertain significance. Last evaluated: 2022-06-24. Review status: criteria provided, single submitter. Criteria: Invitae Variant Classification Sherloc (09022015). Collection method: clinical testing. Allele origin: germline.
Comment: This sequence change replaces serine, which is neutral and polar, with arginine, which is basic and polar, at codon 460 of the PEPD protein (p.Ser460Arg). This variant is not present in population databases (gnomAD no frequency). This variant has not been reported in the literature in individuals affected with PEPD-related conditions. Algorithms developed to predict the effect of missense changes on protein structure and function are either unavailable or do not agree on the potential impact of this missense change (SIFT: "Deleterious"; PolyPhen-2: "Benign"; Align-GVGD: "Class C0"). In summary, the available evidence is currently insufficient to determine the role of this variant in disease. Therefore, it has been classified as a Variant of Uncertain Significance.